The following is an entry in ClinVar:

ClinVar aggregate classification (germline): Uncertain significance (1 of 4 stars; one submission).

Conditions:
Familial hemiplegic migraine. Identifiers: MedGen C0338484, MONDO:0000700.

Submission:

Labcorp Genetics (formerly Invitae), Labcorp
Classification: Uncertain significance for Familial hemiplegic migraine. Last evaluated: 2024-04-15. Review status: criteria provided, single submitter. Criteria: Invitae Variant Classification Sherloc (09022015). Collection method: clinical testing. Allele origin: germline.
Comment: This sequence change falls in intron 11 of the ATP1A2 gene. It does not directly change the encoded amino acid sequence of the ATP1A2 protein. Information on the frequency of this variant in the gnomAD database is not available, as this variant may be reported differently in the database. This variant has not been reported in the literature in individuals affected with ATP1A2-related conditions. Experimental studies and prediction algorithms are not available or were not evaluated, and the effect of this variant on mRNA splicing is currently unknown. In summary, the available evidence is currently insufficient to determine the role of this variant in disease. Therefore, it has been classified as a Variant of Uncertain Significance.

NM_000702.4(ATP1A2):c.1461+18_1461+19delinsTA

Gene: ATP1A2 (ATPase Na+/K+ transporting subunit alpha 2; plus strand). Cytogenetic location: 1q23.2.
Variant type: Indel.
Coding change: c.1461+18_1461+19delinsTA on transcript NM_000702.4 (MANE Select); bases 18 to 19 of the intron after coding-DNA position 1461, GG replaced by TA.
Molecular consequence: intron variant.
Genome position (GRCh38, 1-based): chr1:160,129,418-160,129,419, GG replaced by TA. VCF-style: chr1-160129418-GG-TA. GRCh37 (hg19) VCF-style: chr1-160099208-GG-TA.
Identifiers: ClinVar variation 2994821 (VCV002994821.3), dbSNP rs2524870149, ClinGen allele CA2740090268.
Genomic context (GRCh38, chr1:160,129,418, plus strand): 5'-CAAGGTGGCAGAGATTCCTTTCAACTCTACCAACAAGTACCAGGTCTGCTTGGGTTGCCA[GG>TA]ACAGAGGAAGAGAGAGGGATATAAATGGGTGAGGGTGGACAAAGCCAAGGGGAATCATCA-3'